The following is an entry in ClinVar:

ClinVar aggregate classification (germline): Uncertain significance (1 of 4 stars; one submission).

Submission:

GeneDx
Classification: Uncertain significance. Last evaluated: 2024-10-10. Review status: criteria provided, single submitter. Criteria: GeneDx Variant Classification Process June 2021. Collection method: clinical testing. Allele origin: germline. Affected: yes.
Comment: Not observed at significant frequency in large population cohorts (gnomAD); In silico analysis supports that this missense variant has a deleterious effect on protein structure/function; Has not been previously published as pathogenic or benign to our knowledge

NM_001003694.2(BRPF1):c.847G>C (p.Glu283Gln)

Gene: BRPF1 (bromodomain and PHD finger containing 1; plus strand). Cytogenetic location: 3p25.3.
Variant type: single nucleotide variant.
Coding change: c.847G>C on transcript NM_001003694.2 (MANE Select); coding-DNA position 847, G replaced by C.
Protein change: p.Glu283Gln; replaces glutamic acid 283 with glutamine.
Molecular consequence: missense variant. On other transcripts: non-coding transcript variant (1).
Genome position (GRCh38, 1-based): chr3:9,739,246, G>C. VCF-style: chr3-9739246-G-C. GRCh37 (hg19) VCF-style: chr3-9780930-G-C.
Other names: c.847G>C, p.Glu283Gln (NM_001319049.2, NM_001319050.2, NM_001410704.1 and 1 more transcripts); short protein forms E283Q.
Identifiers: ClinVar variation 3777693 (VCV003777693.1).